The following is an entry in ClinVar:

NM_001365999.1(SZT2):c.3315A>G (p.Val1105=)

Gene: SZT2 (SZT2 subunit of KICSTOR complex; plus strand). Cytogenetic location: 1p34.2.
Variant type: single nucleotide variant.
Coding change: c.3315A>G on transcript NM_001365999.1 (MANE Select); coding-DNA position 3315, A replaced by G.
Protein change: p.Val1105=; no amino-acid change (valine 1105 retained).
Molecular consequence: synonymous variant.
Genome position (GRCh38, 1-based): chr1:43,427,061, A>G. VCF-style: chr1-43427061-A-G. GRCh37 (hg19) VCF-style: chr1-43892732-A-G.
Other names: p.Val1048=; c.3144A>G, p.Val1048= (NM_015284.4).
Identifiers: ClinVar variation 1570803 (VCV001570803.9), dbSNP rs769531559, ClinGen allele CA808959.

ClinVar aggregate classification (germline): Likely benign. Review status: criteria provided, multiple submitters, no conflicts (2 of 4 stars). 2 submissions from 2 submitters: Likely benign (2). Last evaluated 2025-10-10.

Allele frequency attached by ClinVar (database versions not stated): gnomAD exomes below 0.00001 and 0.00002; gnomAD 0.00001; TOPMed 0.00001; ExAC 0.00004.
gnomAD v4.1: 9 of 1,614,206 alleles (0.00056%); highest among the groups gnomAD compares: East Asian, 0.016%; no homozygotes.

Submissions (2):

Labcorp Genetics (formerly Invitae), Labcorp
Classification: Likely benign. Last evaluated: 2025-10-10. Review status: criteria provided, single submitter. Criteria: Invitae Variant Classification Sherloc (09022015). Collection method: clinical testing. Allele origin: germline.

Mayo Clinic Laboratories, Mayo Clinic
Classification: Likely benign. Last evaluated: 2025-04-10. Review status: criteria provided, single submitter. Criteria: ACMG Guidelines, 2015. Collection method: clinical testing. Allele origin: germline. Observed: 1 variant allele.
Comment: BP4, BP7